The following is an entry in ClinVar:

NM_001429.4(EP300):c.6502ATGAAC[1] (p.2168MN[1])

Gene: EP300 (EP300 lysine acetyltransferase; plus strand). Cytogenetic location: 22q13.2.
Variant type: Microsatellite.
Coding change: c.6502ATGAAC[1] on transcript NM_001429.4 (MANE Select); one copy of the 6-base unit ATGAAC starting at c.6502; the reference has two copies in a row; one copy, 6 bases deleted.
Protein change: p.2168MN[1].
Molecular consequence: inframe deletion.
Genome position (GRCh38, 1-based): chr22:41,178,219-41,178,224, ATGAAC deleted; deleting any 6 consecutive bases within chr22:41,178,213-41,178,224 gives the same sequence; the position shown is the placement nearest the transcript's 3' end. VCF-style (leftmost placement, unchanged base first): chr22-41178212-GATGAAC-G. GRCh37 (hg19) VCF-style: chr22-41574216-GATGAAC-G.
Other names: c.6424ATGAAC[1], p.2142MN[1] (NM_001362843.2).
Identifiers: ClinVar variation 4980694 (VCV004980694.1).
Genomic context (GRCh38, chr22:41,178,212, plus strand): 5'-GCAGCAACCACAGCAGCAACTCCAGCCACCCATGGGAGGGATGAGCCCCCAGGCTCAGCA[GATGAAC>G]ATGAACCACAACACCATGCCTTCACAATTCCGAGACATCTTGAGACGACAGCAAATGATG-3'

ClinVar aggregate classification (germline): Uncertain significance (1 of 4 stars; one submission).

Conditions:
EP300-related disorder. Also called: EP300-related condition; EP300-related disorders.

Submission:

PreventionGenetics, part of Exact Sciences
Classification: Uncertain significance for EP300-related condition. Last evaluated: 2026-07-11. Review status: criteria provided, single submitter. Criteria: ACMG Guidelines, 2015. Collection method: clinical testing. Allele origin: germline.
Comment: The EP300 c.6508_6513del6 variant is predicted to result in an in-frame deletion (p.Met2170_Asn2171del). To our knowledge, this variant has not been reported in the literature. This variant is reported in 0.0080% of alleles in individuals of African descent in gnomAD. At this time, the clinical significance of this variant is uncertain due to the absence of conclusive functional and genetic evidence.